The following is an entry in ClinVar:

ClinVar aggregate classification (germline): Uncertain significance (1 of 4 stars; one submission).

Conditions:
Dyskeratosis congenita. Identifiers: Orphanet 1775, MedGen C0265965, MONDO:0015780.

Submission:

Labcorp Genetics (formerly Invitae), Labcorp
Classification: Uncertain significance for Dyskeratosis congenita. Last evaluated: 2025-02-17. Review status: criteria provided, single submitter. Criteria: Invitae Variant Classification Sherloc (09022015). Collection method: clinical testing. Allele origin: germline.
Comment: This sequence change replaces serine, which is neutral and polar, with cysteine, which is neutral and slightly polar, at codon 448 of the TINF2 protein (p.Ser448Cys). This variant is not present in population databases (gnomAD no frequency). This variant has not been reported in the literature in individuals affected with TINF2-related conditions. An algorithm developed to predict the effect of missense changes on protein structure and function (PolyPhen-2) suggests that this variant is likely to be tolerated. In summary, the available evidence is currently insufficient to determine the role of this variant in disease. Therefore, it has been classified as a Variant of Uncertain Significance.

NM_001099274.3(TINF2):c.1343C>G (p.Ser448Cys)

Gene: TINF2 (TERF1 interacting nuclear factor 2; minus strand). Cytogenetic location: 14q12.
Variant type: single nucleotide variant.
Coding change: c.1343C>G on transcript NM_001099274.3 (MANE Select); coding-DNA position 1343, C replaced by G.
Protein change: p.Ser448Cys; replaces serine 448 with cysteine.
Molecular consequence: missense variant. On other transcripts: 3 prime UTR variant (1).
Genome position (GRCh38, 1-based): chr14:24,239,810, G>C on the plus strand (C>G on the coding strand, the complement: TINF2 is on the minus strand). VCF-style: chr14-24239810-G-C. GRCh37 (hg19) VCF-style: chr14-24709016-G-C.
Other names: c.1238C>G, p.Ser413Cys (NM_001363668.2); c.*605C>G (NM_012461.3); short protein forms S413C, S448C.
Identifiers: ClinVar variation 3680431 (VCV003680431.2).